The following is an entry in ClinVar:

NM_001004137.1(OR52M1):c.93C>A (p.Ile31=)

Gene: OR52M1 (olfactory receptor family 52 subfamily M member 1; plus strand). Cytogenetic location: 11p15.4.
Variant type: single nucleotide variant.
Coding change: c.93C>A on transcript NM_001004137.1 (MANE Select); coding-DNA position 93, C replaced by A.
Protein change: p.Ile31=; no amino-acid change (isoleucine 31 retained).
Molecular consequence: synonymous variant.
Genome position (GRCh38, 1-based): chr11:4,545,283, C>A. VCF-style: chr11-4545283-C-A. GRCh37 (hg19) VCF-style: chr11-4566513-C-A.
Identifiers: ClinVar variation 3038308 (VCV003038308.2), dbSNP rs11032738, ClinGen allele CA5832573.

ClinVar aggregate classification (germline): Benign (0 of 4 stars; one submission).

Conditions:
OR52M1-related disorder. Also called: OR52M1-related condition.

Allele frequency attached by ClinVar (database versions not stated): 1000 Genomes Project 0.00100; 1000 Genomes Project 30x 0.00109; TOPMed 0.00457; gnomAD 0.00516; ESP Exome Variant Server 0.00700.

Submission:

PreventionGenetics, part of Exact Sciences
Classification: Benign for OR52M1-related condition. Last evaluated: 2023-07-11. Review status: no assertion criteria provided. Collection method: clinical testing. Allele origin: germline.
Comment: This variant is classified as benign based on ACMG/AMP sequence variant interpretation guidelines (Richards et al. 2015 PMID: 25741868, with internal and published modifications).